The following is an entry in ClinVar:

NM_019842.4(KCNQ5):c.2094T>A (p.Ser698Arg)

Gene: KCNQ5 (potassium voltage-gated channel subfamily Q member 5; plus strand). Cytogenetic location: 6q13.
Variant type: single nucleotide variant.
Coding change: c.2094T>A on transcript NM_019842.4 (MANE Select); coding-DNA position 2094, T replaced by A.
Protein change: p.Ser698Arg; replaces serine 698 with arginine.
Molecular consequence: missense variant.
Genome position (GRCh38, 1-based): chr6:73,194,709, T>A. VCF-style: chr6-73194709-T-A. GRCh37 (hg19) VCF-style: chr6-73904432-T-A.
Other names: c.2067T>A, p.Ser689Arg (NM_001160130.2); c.2124T>A, p.Ser708Arg (NM_001160132.2); c.2151T>A, p.Ser717Arg (NM_001160133.2); c.1764T>A, p.Ser588Arg (NM_001160134.2); short protein forms S588R, S689R, S698R, S708R, S717R.
Identifiers: ClinVar variation 4801376 (VCV004801376.1).

ClinVar aggregate classification (germline): Uncertain significance (1 of 4 stars; one submission).

Submission:

Labcorp Genetics (formerly Invitae), Labcorp
Classification: Uncertain significance. Last evaluated: 2025-05-18. Review status: criteria provided, single submitter. Criteria: Invitae Variant Classification Sherloc (09022015). Collection method: clinical testing. Allele origin: germline.
Comment: This sequence change replaces serine, which is neutral and polar, with arginine, which is basic and polar, at codon 717 of the KCNQ5 protein (p.Ser717Arg). This variant is not present in population databases (gnomAD no frequency). This variant has not been reported in the literature in individuals affected with KCNQ5-related conditions. Invitae Evidence Modeling of protein sequence and biophysical properties (such as structural, functional, and spatial information, amino acid conservation, physicochemical variation, residue mobility, and thermodynamic stability) indicates that this missense variant is not expected to disrupt KCNQ5 protein function with a negative predictive value of 95%. In summary, the available evidence is currently insufficient to determine the role of this variant in disease. Therefore, it has been classified as a Variant of Uncertain Significance.